The following is an entry in ClinVar:

NM_000292.3(PHKA2):c.2598G>T (p.Ala866=)

Gene: PHKA2 (phosphorylase kinase regulatory subunit alpha 2; minus strand). Cytogenetic location: Xp22.13.
Variant type: single nucleotide variant.
Coding change: c.2598G>T on transcript NM_000292.3 (MANE Select); coding-DNA position 2598, G replaced by T.
Protein change: p.Ala866=; no amino-acid change (alanine 866 retained).
Molecular consequence: synonymous variant.
Genome position (GRCh38, 1-based): chrX:18,906,814, C>A on the plus strand (G>T on the coding strand, the complement: PHKA2 is on the minus strand). VCF-style: chrX-18906814-C-A. GRCh37 (hg19) VCF-style: chrX-18924932-C-A.
Identifiers: ClinVar variation 2976577 (VCV002976577.3), dbSNP rs2518603986, ClinGen allele CA515477240.

ClinVar aggregate classification (germline): Uncertain significance (1 of 4 stars; one submission).

Conditions:
Glycogen storage disease IXa1. Also called: GLYCOGEN STORAGE DISEASE VIII; GSD VIII; Glycogen storage disease 8; LIVER GLYCOGENOSIS, X-LINKED, TYPE I. Identifiers: Orphanet 264580, MedGen C3694531, MONDO:0010598, OMIM 306000.

Submission:

Labcorp Genetics (formerly Invitae), Labcorp
Classification: Uncertain significance for Glycogen storage disease IXa1. Last evaluated: 2023-10-27. Review status: criteria provided, single submitter. Criteria: Invitae Variant Classification Sherloc (09022015). Collection method: clinical testing. Allele origin: germline.
Comment: This sequence change affects codon 866 of the PHKA2 mRNA. It is a 'silent' change, meaning that it does not change the encoded amino acid sequence of the PHKA2 protein. It affects a nucleotide within the consensus splice site. This variant is not present in population databases (gnomAD no frequency). This variant has not been reported in the literature in individuals affected with PHKA2-related conditions. Algorithms developed to predict the effect of sequence changes on RNA splicing suggest that this variant may disrupt the consensus splice site. In summary, the available evidence is currently insufficient to determine the role of this variant in disease. Therefore, it has been classified as a Variant of Uncertain Significance.